The following is an entry in ClinVar:

NM_014159.7(SETD2):c.3067A>T (p.Ser1023Cys)

Gene: SETD2 (SET domain containing 2, histone lysine methyltransferase; minus strand). Cytogenetic location: 3p21.31.
Variant type: single nucleotide variant.
Coding change: c.3067A>T on transcript NM_014159.7 (MANE Select); coding-DNA position 3067, A replaced by T.
Protein change: p.Ser1023Cys; replaces serine 1023 with cysteine.
Molecular consequence: missense variant. On other transcripts: non-coding transcript variant (1).
Genome position (GRCh38, 1-based): chr3:47,121,569, T>A on the plus strand (A>T on the coding strand, the complement: SETD2 is on the minus strand). VCF-style: chr3-47121569-T-A. GRCh37 (hg19) VCF-style: chr3-47163059-T-A.
Other names: c.2935A>T, p.Ser979Cys (NM_001349370.3); short protein forms S1023C, S979C.
Identifiers: ClinVar variation 4282318 (VCV004282318.1).

ClinVar aggregate classification (germline): Uncertain significance (1 of 4 stars; one submission).

gnomAD v4.1: 7 of 1,614,160 alleles (0.00043%); highest among the groups gnomAD compares: Non-Finnish European, 0.00059%; no homozygotes.

Submission:

GeneDx
Classification: Uncertain significance. Last evaluated: 2025-04-17. Review status: criteria provided, single submitter. Criteria: GeneDx Variant Classification Process June 2021. Collection method: clinical testing. Allele origin: germline. Affected: yes.
Comment: Not observed at significant frequency in large population cohorts (gnomAD); In silico analysis supports that this missense variant has a deleterious effect on protein structure/function; Has not been previously published as pathogenic or benign to our knowledge